The following is an entry in ClinVar:

ClinVar aggregate classification (germline): Uncertain significance (1 of 4 stars; one submission).

Conditions:
Cystic leukoencephalopathy without megalencephaly. Identifiers: Orphanet 85136, MedGen C2751843, MONDO:0013058, OMIM 612951.

gnomAD v4.1: 1 of 1,532,184 alleles (0.000065%); highest among the groups gnomAD compares: Non-Finnish European, 0.000089%; no homozygotes.

Submission:

Centre for Mendelian Genomics, University Medical Centre Ljubljana
Classification: Uncertain significance for Cystic leukoencephalopathy without megalencephaly. Last evaluated: 2019-03-01. Review status: criteria provided, single submitter. Criteria: ACMG Guidelines, 2015. Collection method: clinical testing. Allele origin: unknown. Affected: yes.
Comment: This variant was classified as: Uncertain significance. The available evidence on this variant's pathogenicity is insufficient or conflicting. The following ACMG criteria were applied in classifying this variant: PM2.

NM_003730.6(RNASET2):c.204-14A>G

Gene: RNASET2 (ribonuclease T2; minus strand). Cytogenetic location: 6q27.
Variant type: single nucleotide variant.
Coding change: c.204-14A>G on transcript NM_003730.6 (MANE Select); 14 bases into the intron before coding-DNA position 204, A replaced by G.
Molecular consequence: intron variant.
Genome position (GRCh38, 1-based): chr6:166,946,753, T>C on the plus strand (A>G on the coding strand, the complement: RNASET2 is on the minus strand). VCF-style: chr6-166946753-T-C. GRCh37 (hg19) VCF-style: chr6-167360241-T-C.
Identifiers: ClinVar variation 930667 (VCV000930667.3), dbSNP rs1778856869, ClinGen allele CA1139659942.
Genomic context (GRCh38, chr6:166,946,753, plus strand): 5'-CTAAATTGAAGGGCCACGATCTATTACATCCTTCACTTTTATCGGGCCTGGAAATTCAAA[T>C]TTAAAAGAGAAAATAAGAAATATTAGGCTTGGTTGGGGTGGCTTCTACATGACCTTAGAA-3'